The following is an entry in ClinVar:

ClinVar aggregate classification (germline): Uncertain significance. Review status: criteria provided, multiple submitters, no conflicts (2 of 4 stars). 6 submissions from 6 submitters: Uncertain significance (5). 1 of the submissions does not count toward it. Last evaluated 2025-10-28.

Conditions:
Ehlers-Danlos syndrome, dermatosparaxis type. Also called: EDS VIIC; Dermatosparaxis; Ehlers-Danlos syndrome, type VII, autosomal recessive. Identifiers: Orphanet 1901, MedGen C2700425, MONDO:0009161, OMIM 225410.

Allele frequency attached by ClinVar (database versions not stated): TOPMed 0.00012; gnomAD exomes 0.00014 and 0.00017; 1000 Genomes Project 30x 0.00016; ExAC 0.00016; gnomAD 0.00016; 1000 Genomes Project 0.00020.
gnomAD v4.1: 270 of 1,614,098 alleles (0.017%); highest among the groups gnomAD compares: South Asian, 0.04%; 1 homozygote.

Submissions (6):

Women's Health and Genetics/Laboratory Corporation of America, LabCorp
Classification: Uncertain significance. Last evaluated: 2025-10-28. Review status: criteria provided, single submitter. Criteria: LabCorp Variant Classification Summary - May 2015. Collection method: clinical testing. Allele origin: germline.
Comment: Variant summary: ADAMTS2 c.3449A>G (p.Asn1150Ser) results in a conservative amino acid change in the encoded protein sequence. Algorithms developed to predict the effect of missense changes on protein structure and function all suggest that this variant is likely to be tolerated. The variant allele was found at a frequency of 0.00014 in 251496 control chromosomes. This frequency is not significantly higher than estimated for disease-causing variants in ADAMTS2, allowing no conclusion about variant significance. To our knowledge, no occurrence of c.3449A>G in individuals affected with ADAMTS2-related conditions and no experimental evidence demonstrating its impact on protein function have been reported. ClinVar contains an entry for this variant (Variation ID: 353086). Based on the evidence outlined above, the variant was classified as uncertain significance.

GeneDx
Classification: Uncertain significance. Last evaluated: 2025-04-23. Review status: criteria provided, single submitter. Criteria: GeneDx Variant Classification Process June 2021. Collection method: clinical testing. Allele origin: germline. Affected: yes.
Comment: In silico analysis indicates that this missense variant does not alter protein structure/function; Has not been previously published as pathogenic or benign to our knowledge

Labcorp Genetics (formerly Invitae), Labcorp
Classification: Uncertain significance for Ehlers-Danlos syndrome, dermatosparaxis type. Last evaluated: 2022-08-21. Review status: criteria provided, single submitter. Criteria: Invitae Variant Classification Sherloc (09022015). Collection method: clinical testing. Allele origin: germline.
Comment: This sequence change replaces asparagine, which is neutral and polar, with serine, which is neutral and polar, at codon 1150 of the ADAMTS2 protein (p.Asn1150Ser). This variant is present in population databases (rs200982805, gnomAD 0.04%). This variant has not been reported in the literature in individuals affected with ADAMTS2-related conditions. ClinVar contains an entry for this variant (Variation ID: 353086). Algorithms developed to predict the effect of missense changes on protein structure and function output the following: SIFT: "Deleterious"; PolyPhen-2: "Benign"; Align-GVGD: "Class C0". The serine amino acid residue is found in multiple mammalian species, which suggests that this missense change does not adversely affect protein function. In summary, the available evidence is currently insufficient to determine the role of this variant in disease. Therefore, it has been classified as a Variant of Uncertain Significance.

Mayo Clinic Laboratories, Mayo Clinic
Classification: Uncertain significance. Last evaluated: 2020-11-19. Review status: criteria provided, single submitter. Criteria: ACMG Guidelines, 2015. Collection method: clinical testing. Allele origin: germline. Observed: 1 variant allele.

Illumina Laboratory Services, Illumina
Classification: Uncertain significance for Ehlers-Danlos syndrome, dermatosparaxis type. Last evaluated: 2018-01-13. Review status: criteria provided, single submitter. Criteria: ICSL Variant Classification Criteria 13 December 2019. Collection method: clinical testing. Allele origin: germline.

Natera, Inc.
Classification: Likely benign for Ehlers-Danlos syndrome type VIIC. Last evaluated: 2020-05-01. Review status: no assertion criteria provided. Collection method: clinical testing. Allele origin: germline. Not counted in ClinVar's aggregate classification.

NM_014244.5(ADAMTS2):c.3449A>G (p.Asn1150Ser)

Gene: ADAMTS2 (ADAM metallopeptidase with thrombospondin type 1 motif 2; minus strand). Cytogenetic location: 5q35.3.
Variant type: single nucleotide variant.
Coding change: c.3449A>G on transcript NM_014244.5 (MANE Select); coding-DNA position 3449, A replaced by G.
Protein change: p.Asn1150Ser; replaces asparagine 1150 with serine.
Molecular consequence: missense variant.
Genome position (GRCh38, 1-based): chr5:179,114,054, T>C on the plus strand (A>G on the coding strand, the complement: ADAMTS2 is on the minus strand). VCF-style: chr5-179114054-T-C. GRCh37 (hg19) VCF-style: chr5-178541055-T-C.
Other names: short protein forms N1150S.
Identifiers: ClinVar variation 353086 (VCV000353086.17), dbSNP rs200982805, ClinGen allele CA3595227.
Genomic context (GRCh38, chr5:179,114,054, plus strand): 5'-AGGCCATGGATTTTGTAGGGTTCATCTACGGCATTGGTTTCTGGGTGATCCTCTGTGGCA[T>C]TGGTGCTGGAGGCATTGAGAGGGACCTCCAGGGGGGTGCTTGGTGATGGCCGCACCTCCA-3'
Protein context (NP_055059.2, residues 1140-1160): LEVPLNASST[Asn1150Ser]ATEDHPETNA